The following is an entry in ClinVar:

NM_001130987.2(DYSF):c.3898-2A>C

Gene: DYSF (dysferlin; plus strand). Cytogenetic location: 2p13.2.
Variant type: single nucleotide variant.
Coding change: c.3898-2A>C on transcript NM_001130987.2 (MANE Select); the canonical splice acceptor site of the intron before coding-DNA position 3898, A replaced by C.
Molecular consequence: splice acceptor variant.
Genome position (GRCh38, 1-based): chr2:71,601,497, A>C. VCF-style: chr2-71601497-A-C. GRCh37 (hg19) VCF-style: chr2-71828627-A-C.
Other names: c.3898-2A>C (NM_001130985.2); c.3847-2A>C (NM_001130983.2, NM_001130455.2); c.3805-2A>C (NM_001130984.2, NM_001130986.2); c.3937-2A>C (NM_001130979.2); c.3895-2A>C (NM_001130981.2, NM_001130980.2); c.3844-2A>C (NM_001130978.2, NM_003494.4); c.3802-2A>C (NM_001130977.2, NM_001130976.2); c.3940-2A>C (NM_001130982.2).
Identifiers: ClinVar variation 1513137 (VCV001513137.6), dbSNP rs989599402, ClinGen allele CA49772049.

ClinVar aggregate classification (germline): Likely pathogenic (1 of 4 stars; one submission).

Conditions:
Neuromuscular disease caused by qualitative or quantitative defects of dysferlin. Also called: Dysferlinopathy; Qualitative or quantitative defects of dysferlin. Identifiers: Orphanet 207073, MedGen C2931687, MONDO:0016145.

Allele frequency attached by ClinVar (database versions not stated): TOPMed below 0.00001.

Submission:

Labcorp Genetics (formerly Invitae), Labcorp
Classification: Likely pathogenic for Neuromuscular disease caused by qualitative or quantitative defects of dysferlin. Last evaluated: 2022-11-23. Review status: criteria provided, single submitter. Criteria: Invitae Variant Classification Sherloc (09022015). Collection method: clinical testing. Allele origin: germline.
Comment: In summary, the currently available evidence indicates that the variant is pathogenic, but additional data are needed to prove that conclusively. Therefore, this variant has been classified as Likely Pathogenic. Algorithms developed to predict the effect of sequence changes on RNA splicing suggest that this variant may disrupt the consensus splice site. ClinVar contains an entry for this variant (Variation ID: 1513137). This variant has not been reported in the literature in individuals affected with DYSF-related conditions. This variant is not present in population databases (gnomAD no frequency). This sequence change affects an acceptor splice site in intron 34 of the DYSF gene. It is expected to disrupt RNA splicing. Variants that disrupt the donor or acceptor splice site typically lead to a loss of protein function (PMID: 16199547), and loss-of-function variants in DYSF are known to be pathogenic (PMID: 17698709, 20301480).

Literature cited by the submitters: PubMed 16199547; PubMed 17698709; PubMed 20301480.